The following is an entry in ClinVar:

NM_199355.4(ADAMTS18):c.230C>G (p.Ser77Ter)

Gene: ADAMTS18 (ADAM metallopeptidase with thrombospondin type 1 motif 18; minus strand). Cytogenetic location: 16q23.1.
Variant type: single nucleotide variant.
Coding change: c.230C>G on transcript NM_199355.4 (MANE Select); coding-DNA position 230, C replaced by G.
Protein change: p.Ser77Ter; replaces serine 77 with a stop codon.
Molecular consequence: nonsense. On other transcripts: 5 prime UTR variant (1).
Genome position (GRCh38, 1-based): chr16:77,431,560, G>C on the plus strand (C>G on the coding strand, the complement: ADAMTS18 is on the minus strand). VCF-style: chr16-77431560-G-C. GRCh37 (hg19) VCF-style: chr16-77465457-G-C.
Other names: c.-291C>G (NM_001326358.2); short protein forms S77*.
Identifiers: ClinVar variation 1452511 (VCV001452511.6), dbSNP rs1353109719, ClinGen allele CA396851536.

ClinVar aggregate classification (germline): Pathogenic (1 of 4 stars; one submission).

Submission:

Labcorp Genetics (formerly Invitae), Labcorp
Classification: Pathogenic. Last evaluated: 2021-12-06. Review status: criteria provided, single submitter. Criteria: Invitae Variant Classification Sherloc (09022015). Collection method: clinical testing. Allele origin: germline.
Comment: This variant has not been reported in the literature in individuals affected with ADAMTS18-related conditions. For these reasons, this variant has been classified as Pathogenic. This variant is not present in population databases (gnomAD no frequency). This sequence change creates a premature translational stop signal (p.Ser77*) in the ADAMTS18 gene. It is expected to result in an absent or disrupted protein product. Loss-of-function variants in ADAMTS18 are known to be pathogenic (PMID: 23818446, 24874986).

Literature cited by the submitters: PubMed 23818446; PubMed 24874986.